The following is an entry in ClinVar:

ClinVar aggregate classification (germline): Uncertain significance. Review status: criteria provided, multiple submitters, no conflicts (2 of 4 stars). 5 submissions from 5 submitters: Uncertain significance (5). Last evaluated 2025-12-24.

Conditions:
Hereditary cancer-predisposing syndrome. Also called: Neoplastic Syndromes, Hereditary; Tumor predisposition; Hereditary Cancer Syndrome; Hereditary neoplastic syndrome. Identifiers: Orphanet 140162, MedGen C0027672, MeSH D009386, MONDO:0015356.

Allele frequency attached by ClinVar (database versions not stated): gnomAD exomes below 0.00001; ExAC 0.00001; TOPMed 0.00001; gnomAD 0.00002.
gnomAD v4.1: 19 of 1,613,978 alleles (0.0012%); highest among the groups gnomAD compares: Non-Finnish European, 0.0016%; no homozygotes.

Submissions (5):

Labcorp Genetics (formerly Invitae), Labcorp
Classification: Uncertain significance. Last evaluated: 2025-12-24. Review status: criteria provided, single submitter. Criteria: Invitae Variant Classification Sherloc (09022015). Collection method: clinical testing. Allele origin: germline.
Comment: This sequence change replaces arginine, which is basic and polar, with glutamine, which is neutral and polar, at codon 1136 of the POLE protein (p.Arg1136Gln). This variant is present in population databases (rs761355093, gnomAD 0.0009%). This variant has not been reported in the literature in individuals affected with POLE-related conditions. ClinVar contains an entry for this variant (Variation ID: 473594). Invitae Evidence Modeling of protein sequence and biophysical properties (such as structural, functional, and spatial information, amino acid conservation, physicochemical variation, residue mobility, and thermodynamic stability) indicates that this missense variant is expected to disrupt POLE protein function with a positive predictive value of 80%. In summary, the available evidence is currently insufficient to determine the role of this variant in disease. Therefore, it has been classified as a Variant of Uncertain Significance.

Mayo Clinic Laboratories, Mayo Clinic
Classification: Uncertain significance. Last evaluated: 2025-02-28. Review status: criteria provided, single submitter. Criteria: ACMG Guidelines, 2015. Collection method: clinical testing. Allele origin: germline. Observed: 1 variant allele.

Ambry Genetics
Classification: Uncertain significance for Hereditary cancer-predisposing syndrome. Last evaluated: 2024-12-10. Review status: criteria provided, single submitter. Criteria: Ambry Variant Classification Scheme 2023. Collection method: clinical testing. Allele origin: germline.
Comment: The p.R1136Q variant (also known as c.3407G>A), located in coding exon 28 of the POLE gene, results from a G to A substitution at nucleotide position 3407. The arginine at codon 1136 is replaced by glutamine, an amino acid with highly similar properties. This amino acid position is highly conserved in available vertebrate species. In addition, this alteration is predicted to be deleterious by in silico analysis. Based on the available evidence, the clinical significance of this variant remains unclear.

Revvity Omics, Revvity
Classification: Uncertain significance. Last evaluated: 2023-03-07. Review status: criteria provided, single submitter. Criteria: ACMG Guidelines, 2015. Collection method: clinical testing. Allele origin: germline.

GeneDx
Classification: Uncertain significance. Last evaluated: 2021-04-01. Review status: criteria provided, single submitter. Criteria: GeneDx Variant Classification Process June 2021. Collection method: clinical testing. Allele origin: germline. Affected: yes.
Comment: Not observed in large population cohorts (Lek 2016); In silico analysis supports that this missense variant has a deleterious effect on protein structure/function; Has not been previously published as pathogenic or benign to our knowledge

NM_006231.4(POLE):c.3407G>A (p.Arg1136Gln)

Gene: POLE (DNA polymerase epsilon, catalytic subunit; minus strand). Cytogenetic location: 12q24.33.
Variant type: single nucleotide variant.
Coding change: c.3407G>A on transcript NM_006231.4 (MANE Select); coding-DNA position 3407, G replaced by A.
Protein change: p.Arg1136Gln; replaces arginine 1136 with glutamine.
Molecular consequence: missense variant.
Genome position (GRCh38, 1-based): chr12:132,657,401, C>T on the plus strand (G>A on the coding strand, the complement: POLE is on the minus strand). VCF-style: chr12-132657401-C-T. GRCh37 (hg19) VCF-style: chr12-133233987-C-T.
Other names: p.Arg1136Gln; short protein forms R1136Q.
Identifiers: ClinVar variation 473594 (VCV000473594.16), dbSNP rs761355093, ClinGen allele CA6893242.